The following is an entry in ClinVar:

NM_000334.4(SCN4A):c.*1324T>C

Genes: GH-LCR (growth hormone locus control region; plus strand), SCN4A (sodium voltage-gated channel alpha subunit 4; minus strand). Cytogenetic location: 17q23.3.
Variant type: single nucleotide variant.
Coding change: c.*1324T>C on transcript NM_000334.4 (MANE Select); 1324 bases downstream of the stop codon, T replaced by C.
Molecular consequence: 3 prime UTR variant.
Genome position (GRCh38, 1-based): chr17:63,939,447, A>G on the plus strand (T>C on the coding strand, the complement: SCN4A is on the minus strand). VCF-style: chr17-63939447-A-G. GRCh37 (hg19) VCF-style: chr17-62016807-A-G.
Identifiers: ClinVar variation 324482 (VCV000324482.5), dbSNP rs544883913, ClinGen allele CA10646430.

ClinVar aggregate classification (germline): Conflicting classifications of pathogenicity. Review status: criteria provided, conflicting classifications (1 of 4 stars). 5 submissions from 1 submitter: Uncertain significance (1); Benign (1); Likely benign (3). Last evaluated 2018-01-13.

Conditions:
Congenital myasthenic syndrome 16. Identifiers: Orphanet 590, MedGen C3280112, MONDO:0013620, OMIM 614198.
Paramyotonia congenita of Von Eulenburg. Also called: Paramyotonia Congenita; PARALYSIS PERIODICA PARAMYOTONICA; Eulenburg disease; Myotonia congenita intermittens; Von Eulenburg paramyotonia congenita. Identifiers: Orphanet 684, MedGen C0221055, MONDO:0008195, OMIM 168300. Disease mechanism: loss of function.
Hypokalemic periodic paralysis, type 2 (HOKPP2). Identifiers: Orphanet 681, MedGen C2750061, MONDO:0013234, OMIM 613345.
Potassium-aggravated myotonia. Also called: Myotonia congenita, atypical, acetazolamide-responsive; MYOTONIA CONGENITA, ACETAZOLAMIDE-RESPONSIVE; MYOTONIA CONGENITA, ATYPICAL; SODIUM CHANNEL MUSCLE DISEASE. Identifiers: Orphanet 612, Orphanet 99734, Orphanet 99735, Orphanet 99736, MedGen C2931826, MONDO:0018959, OMIM 608390.
Hyperkalemic periodic paralysis. Also called: Familial hyperkalemic periodic paralysis; Gamstorp disease. Identifiers: Orphanet 682, MedGen C0238357, MONDO:0008224, OMIM 170500, HP:0007215.

Allele frequency attached by ClinVar (database versions not stated): TOPMed 0.00209; gnomAD 0.00248 and 0.00256; 1000 Genomes Project 0.00100; 1000 Genomes Project 30x 0.00141; gnomAD exomes 0.00800.

Submissions (5):

Illumina Laboratory Services, Illumina
Classification: Uncertain significance for Congenital myasthenic syndrome 16. Last evaluated: 2018-01-13. Review status: criteria provided, single submitter. Criteria: ICSL Variant Classification Criteria 13 December 2019. Collection method: clinical testing. Allele origin: germline.

Illumina Laboratory Services, Illumina
Classification: Benign for Potassium-aggravated myotonia. Last evaluated: 2018-01-13. Review status: criteria provided, single submitter. Criteria: ICSL Variant Classification Criteria 13 December 2019. Collection method: clinical testing. Allele origin: germline.
Comment: This variant was observed in the ICSL laboratory as part of a predisposition screen in an ostensibly healthy population. It had not been previously curated by ICSL or reported in the Human Gene Mutation Database (HGMD: prior to June 1st, 2018), and was therefore a candidate for classification through an automated scoring system. Utilizing variant allele frequency, disease prevalence and penetrance estimates, and inheritance mode, an automated score was calculated to assess if this variant is too frequent to cause the disease. Based on the score and internal cut-off values, a variant classified as benign is not then subjected to further curation. The score for this variant resulted in a classification of benign for this disease.

Illumina Laboratory Services, Illumina
Classification: Likely benign for Hyperkalemic periodic paralysis. Last evaluated: 2018-01-13. Review status: criteria provided, single submitter. Criteria: ICSL Variant Classification Criteria 13 December 2019. Collection method: clinical testing. Allele origin: germline.
Comment: This variant was observed in the ICSL laboratory as part of a predisposition screen in an ostensibly healthy population. It had not been previously curated by ICSL or reported in the Human Gene Mutation Database (HGMD: prior to June 1st, 2018), and was therefore a candidate for classification through an automated scoring system. Utilizing variant allele frequency, disease prevalence and penetrance estimates, and inheritance mode, an automated score was calculated to assess if this variant is too frequent to cause the disease. Based on the score and internal cut-off values, a variant classified as likely benign is not then subjected to further curation. The score for this variant resulted in a classification of likely benign for this disease.

Illumina Laboratory Services, Illumina
Classification: Likely benign for Paramyotonia congenita of Von Eulenburg. Last evaluated: 2018-01-13. Review status: criteria provided, single submitter. Criteria: ICSL Variant Classification Criteria 13 December 2019. Collection method: clinical testing. Allele origin: germline.
Comment: the same text as in the submission from Illumina Laboratory Services, Illumina above.

Illumina Laboratory Services, Illumina
Classification: Likely benign for Hypokalemic periodic paralysis, type 2. Last evaluated: 2018-01-13. Review status: criteria provided, single submitter. Criteria: ICSL Variant Classification Criteria 13 December 2019. Collection method: clinical testing. Allele origin: germline.
Comment: the same text as in the submission from Illumina Laboratory Services, Illumina above.